The following is an entry in ClinVar:

ClinVar aggregate classification (germline): Uncertain significance (1 of 4 stars; one submission).

Allele frequency attached by ClinVar (database versions not stated): TOPMed below 0.00001; gnomAD 0.00001.
gnomAD v4.1: 8 of 1,612,738 alleles (0.0005%); highest among the groups gnomAD compares: Admixed American, 0.005%; no homozygotes.

Submission:

Labcorp Genetics (formerly Invitae), Labcorp
Classification: Uncertain significance. Last evaluated: 2024-01-31. Review status: criteria provided, single submitter. Criteria: Invitae Variant Classification Sherloc (09022015). Collection method: clinical testing. Allele origin: germline.
Comment: This sequence change replaces serine, which is neutral and polar, with alanine, which is neutral and non-polar, at codon 411 of the SKIV2L protein (p.Ser411Ala). This variant is not present in population databases (gnomAD no frequency). This variant has not been reported in the literature in individuals affected with SKIV2L-related conditions. An algorithm developed to predict the effect of missense changes on protein structure and function (PolyPhen-2) suggests that this variant is likely to be disruptive. In summary, the available evidence is currently insufficient to determine the role of this variant in disease. Therefore, it has been classified as a Variant of Uncertain Significance.

NM_006929.5(SKIC2):c.1231T>G (p.Ser411Ala)

Genes: SKIC2 (SKI2 subunit of superkiller complex; plus strand), LOC126859653 (CDK7 strongly-dependent group 2 enhancer GRCh37_chr6:31929542-31930741; plus strand). Cytogenetic location: 6p21.33.
Variant type: single nucleotide variant.
Coding change: c.1231T>G on transcript NM_006929.5 (MANE Select); coding-DNA position 1231, T replaced by G.
Protein change: p.Ser411Ala; replaces serine 411 with alanine.
Molecular consequence: missense variant.
Genome position (GRCh38, 1-based): chr6:31,962,733, T>G. VCF-style: chr6-31962733-T-G. GRCh37 (hg19) VCF-style: chr6-31930510-T-G.
Other names: short protein forms S411A.
Identifiers: ClinVar variation 2721069 (VCV002721069.3), dbSNP rs1772566701, ClinGen allele CA363454167.